The following is an entry in ClinVar:

ClinVar aggregate classification (germline): Uncertain significance (1 of 4 stars; one submission).

Submission:

Ambry Genetics
Classification: Uncertain significance. Last evaluated: 2024-10-12. Review status: criteria provided, single submitter. Criteria: Ambry Variant Classification Scheme 2023. Collection method: clinical testing. Allele origin: germline.
Comment: The p.P287S variant (also known as c.859C>T), located in coding exon 3 of the TERF2IP gene, results from a C to T substitution at nucleotide position 859. The proline at codon 287 is replaced by serine, an amino acid with similar properties. This amino acid position is conserved. In addition, this alteration is predicted to be tolerated by in silico analysis. Based on the available evidence, the clinical significance of this variant remains unclear.

NM_018975.4(TERF2IP):c.859C>T (p.Pro287Ser)

Gene: TERF2IP (TERF2 interacting protein; plus strand). Cytogenetic location: 16q23.1.
Variant type: single nucleotide variant.
Coding change: c.859C>T on transcript NM_018975.4 (MANE Select); coding-DNA position 859, C replaced by T.
Protein change: p.Pro287Ser; replaces proline 287 with serine.
Molecular consequence: missense variant. On other transcripts: non-coding transcript variant (1).
Genome position (GRCh38, 1-based): chr16:75,656,270, C>T. VCF-style: chr16-75656270-C-T. GRCh37 (hg19) VCF-style: chr16-75690168-C-T.
Other names: short protein forms P287S.
Identifiers: ClinVar variation 3455124 (VCV003455124.1).